The following is an entry in ClinVar:

NM_001142800.2(EYS):c.8983_8988del (p.Ile2995_Val2996del)

Genes: EYS (EGF-like photoreceptor maintenance factor; minus strand), PHF3 (PHD finger protein 3; plus strand). Cytogenetic location: 6q12.
Variant type: Deletion.
Coding change: c.8983_8988del on transcript NM_001142800.2 (MANE Select); coding-DNA positions 8983 to 8988, 6 bases deleted (ATTGTA; older notation c.8983_8988delATTGTA).
Protein change: p.Ile2995_Val2996del.
Molecular consequence: inframe deletion. On other transcripts: 3 prime UTR variant (5).
Genome position (GRCh38, 1-based): chr6:63,721,043-63,721,048, TACAAT deleted on the plus strand (ATTGTA on the coding strand, the reverse complement: EYS is on the minus strand); deleting any 6 consecutive bases within chr6:63,721,043-63,721,050 gives the same sequence; the c. name uses the placement nearest the transcript's 3' end. VCF-style (leftmost placement, unchanged base first): chr6-63721042-ATACAAT-A. GRCh37 (hg19) VCF-style: chr6-64430938-ATACAAT-A.
Other names: c.*7337_*7342del (NM_001290259.2, NM_001370348.2, NM_001370349.2 and 2 more transcripts); c.9046_9051del, p.Ile3016_Val3017del (NM_001292009.2).
Identifiers: ClinVar variation 2831865 (VCV002831865.3), dbSNP rs2533388084, ClinGen allele CA2739273150.

ClinVar aggregate classification (germline): Pathogenic (1 of 4 stars; one submission).

Submission:

Labcorp Genetics (formerly Invitae), Labcorp
Classification: Pathogenic. Last evaluated: 2023-01-25. Review status: criteria provided, single submitter. Criteria: Invitae Variant Classification Sherloc (09022015). Collection method: clinical testing. Allele origin: germline.
Comment: This variant has not been reported in the literature in individuals affected with EYS-related conditions. This variant, c.8983_8988del, results in the deletion of 2 amino acid(s) of the EYS protein (p.Ile2995_Val2996del), but otherwise preserves the integrity of the reading frame. This variant is not present in population databases (gnomAD no frequency). This variant disrupts a region of the EYS protein in which other variant(s) (p.Ile2995Asn) have been determined to be pathogenic (PMID: 20537394, 29159838; Invitae). This suggests that this is a clinically significant region of the protein, and that variants that disrupt it are likely to be disease-causing. For these reasons, this variant has been classified as Pathogenic.

Literature cited by the submitters: PubMed 20537394; PubMed 29159838.